The following is an entry in ClinVar:

ClinVar aggregate classification (germline): Likely benign. Review status: criteria provided, multiple submitters, no conflicts (2 of 4 stars). 3 submissions from 3 submitters: Likely benign (3). Last evaluated 2026-08-21.

Conditions:
PEX5-related disorder. Also called: PEX5-Related Disorders; PEX5-related condition.
Peroxisome biogenesis disorder 2B (PBD2B). Identifiers: Orphanet 44, MedGen C3550234, MONDO:0008736, OMIM 202370.

gnomAD v4.1: 9 of 1,611,212 alleles (0.00056%); highest among the groups gnomAD compares: Admixed American, 0.015%; no homozygotes.

Submissions (3):

PreventionGenetics, part of Exact Sciences
Classification: Likely benign for PEX5-related condition. Last evaluated: 2026-08-21. Review status: criteria provided, single submitter. Criteria: ACMG Guidelines, 2015. Collection method: clinical testing. Allele origin: germline.
Comment: This variant is classified as likely benign based on ACMG/AMP sequence variant interpretation guidelines (Richards et al. 2015 PMID: 25741868, with internal and published modifications).

Labcorp Genetics (formerly Invitae), Labcorp
Classification: Likely benign for Peroxisome biogenesis disorder 2B. Last evaluated: 2026-01-20. Review status: criteria provided, single submitter. Criteria: Invitae Variant Classification Sherloc (09022015). Collection method: clinical testing. Allele origin: germline.

Blueprint Genetics
Classification: Likely benign. Last evaluated: 2022-09-18. Review status: criteria provided, single submitter. Criteria: ACMG Guidelines, 2015. Collection method: clinical testing. Allele origin: germline.

NM_001351132.2(PEX5):c.1182-6A>T

Gene: PEX5 (peroxisomal biogenesis factor 5; plus strand). Cytogenetic location: 12p13.31.
Variant type: single nucleotide variant.
Coding change: c.1182-6A>T on transcript NM_001351132.2 (MANE Select); 6 bases into the intron before coding-DNA position 1182, A replaced by T.
Molecular consequence: intron variant.
Genome position (GRCh38, 1-based): chr12:7,208,451, A>T. VCF-style: chr12-7208451-A-T. GRCh37 (hg19) VCF-style: chr12-7361047-A-T.
Other names: c.1071-6A>T (NM_001351124.3, NM_001351126.2, NM_001374646.1 and 7 more transcripts); c.1182-6A>T (NM_001131026.2, NM_001351131.2, NM_001374647.2 and 5 more transcripts); c.1047-6A>T (NM_001374649.2, NM_001351140.2, NM_001351139.2); c.1116-6A>T (NM_001351135.3, NM_001351138.2); c.1227-6A>T (NM_001131023.2); c.1173-6A>T (NM_001351136.2); c.1158-6A>T (NM_000319.5).
Identifiers: ClinVar variation 1161939 (VCV001161939.11), dbSNP rs1945095734, ClinGen allele CA2014447838.
Genomic context (GRCh38, chr12:7,208,451, plus strand): 5'-AGGGTGCTCACATGTGCCAGTGTCAGTCATTGCAGATATCAAGTCTGCCCATCCCTGATC[A>T]AACAGGTGTCTGGAGCTAAAGCCAGATAACCAGACAGCACTGATGGCGCTGGCTGTGAGC-3'